The following is an entry in ClinVar:

NM_001918.5(DBT):c.70C>T (p.Gln24Ter)

Gene: DBT (dihydrolipoamide branched chain transacylase E2; minus strand). Cytogenetic location: 1p21.2.
Variant type: single nucleotide variant.
Coding change: c.70C>T on transcript NM_001918.5 (MANE Select); coding-DNA position 70, C replaced by T.
Protein change: p.Gln24Ter; replaces glutamine 24 with a stop codon.
Molecular consequence: nonsense.
Genome position (GRCh38, 1-based): chr1:100,240,866, G>A on the plus strand (C>T on the coding strand, the complement: DBT is on the minus strand). VCF-style: chr1-100240866-G-A. GRCh37 (hg19) VCF-style: chr1-100706422-G-A.
Other names: short protein forms Q24*.
Identifiers: ClinVar variation 983644 (VCV000983644.3), dbSNP rs1664173086, ClinGen allele CA341347132.

ClinVar aggregate classification (germline): Likely pathogenic (1 of 4 stars; one submission).

Conditions:
Maple syrup urine disease (MSUD). Identifiers: Orphanet 511, MedGen C0024776, MeSH D008375, MONDO:0009563. Disease mechanism: loss of function.

Submission:

Myriad Genetics, Inc.
Classification: Likely pathogenic for Maple syrup urine disease type 1A. Last evaluated: 2020-01-25. Review status: criteria provided, single submitter. Criteria: Myriad Women's Health Autosomal Recessive and X-Linked Classification Criteria (2019). Collection method: clinical testing. Allele origin: unknown.
Comment: NM_001918.3(DBT):c.70C>T(Q24*) is expected to be pathogenic in the context of maple syrup urine disease type II. This variant is predicted to lead to an abnormal or absent protein product due to the creation of a premature termination codon in DBT, a gene where loss-of-function variants are known to be pathogenic. Please note: this variant was assessed in the context of healthy population screening.